The following is an entry in ClinVar:

ClinVar aggregate classification (germline): Pathogenic/Likely pathogenic. Review status: criteria provided, multiple submitters, no conflicts (2 of 4 stars). 3 submissions from 3 submitters: Pathogenic (2); Likely pathogenic (1). Last evaluated 2022-09-20.

Conditions:
KBG syndrome (KBGS). Also called: ANKRD11-Related KBG Syndrome. Identifiers: Orphanet 2332, MedGen C0220687, MONDO:0007846, OMIM 148050.

Submissions (3):

Revvity Omics, Revvity
Classification: Likely pathogenic for KBG syndrome. Last evaluated: 2022-09-20. Review status: criteria provided, single submitter. Criteria: ACMG Guidelines, 2015. Collection method: clinical testing. Allele origin: germline.

GeneDx
Classification: Pathogenic. Last evaluated: 2021-07-26. Review status: criteria provided, single submitter. Criteria: GeneDx Variant Classification Process June 2021. Collection method: clinical testing. Allele origin: germline. Affected: yes.
Comment: Nonsense variant predicted to result in protein truncation or nonsense mediated decay in a gene for which loss-of-function is a known mechanism of disease; Not observed at significant frequency in large population cohorts (Lek et al., 2016); Has not been previously published as pathogenic or benign to our knowledge

Genome Medicine, Institute for Basic Research in Developmental Disabilities
Classification: Pathogenic for KBG syndrome. Review status: criteria provided, single submitter. Criteria: ACMG Guidelines, 2015. Collection method: clinical testing. Allele origin: maternal. Affected: yes. Observed: 2 variant alleles.

Literature cited by the submitters: PubMed 35970914 (cited by Genome Medicine, Institute for Basic Research in Developmental Disabilities).

NM_013275.6(ANKRD11):c.5227C>T (p.Gln1743Ter)

Gene: ANKRD11 (ankyrin repeat domain 11; minus strand). Cytogenetic location: 16q24.3.
Variant type: single nucleotide variant.
Coding change: c.5227C>T on transcript NM_013275.6 (MANE Select); coding-DNA position 5227, C replaced by T.
Protein change: p.Gln1743Ter; replaces glutamine 1743 with a stop codon.
Molecular consequence: nonsense.
Genome position (GRCh38, 1-based): chr16:89,281,315, G>A on the plus strand (C>T on the coding strand, the complement: ANKRD11 is on the minus strand). VCF-style: chr16-89281315-G-A. GRCh37 (hg19) VCF-style: chr16-89347723-G-A.
Other names: c.5227C>T, p.Gln1743Ter (NM_001256182.2, NM_001256183.2); short protein forms Q1743*.
Identifiers: ClinVar variation 1254536 (VCV001254536.7), dbSNP rs2151745705, ClinGen allele CA397155089.